The following is an entry in ClinVar:

ClinVar aggregate classification (germline): Uncertain significance (1 of 4 stars; one submission).

gnomAD v4.1: 1 of 1,613,194 alleles (0.000062%); highest among the groups gnomAD compares: South Asian, 0.0011%; no homozygotes.

Submission:

Mayo Clinic Laboratories, Mayo Clinic
Classification: Uncertain significance. Last evaluated: 2025-01-06. Review status: criteria provided, single submitter. Criteria: ACMG Guidelines, 2015. Collection method: clinical testing. Allele origin: germline. Observed: 1 variant allele.
Comment: PP3, PM2_supporting, PS1_supporting

NM_000454.5(SOD1):c.72G>A (p.Lys24=)

Genes: SOD1 (superoxide dismutase 1; plus strand), SOD1-DT (SOD1 divergent transcript; minus strand). Cytogenetic location: 21q22.11.
Variant type: single nucleotide variant.
Coding change: c.72G>A on transcript NM_000454.5 (MANE Select); coding-DNA position 72, G replaced by A.
Protein change: p.Lys24=; no amino-acid change (lysine 24 retained).
Molecular consequence: synonymous variant. On other transcripts: non-coding transcript variant (1).
Genome position (GRCh38, 1-based): chr21:31,659,841, G>A. VCF-style: chr21-31659841-G-A. GRCh37 (hg19) VCF-style: chr21-33032154-G-A.
Other names: p.Lys24=.
Identifiers: ClinVar variation 4542401 (VCV004542401.1).